The following is an entry in ClinVar:

ClinVar aggregate classification (germline): Uncertain significance. Review status: criteria provided, multiple submitters, no conflicts (2 of 4 stars). 2 submissions from 2 submitters: Uncertain significance (2). Last evaluated 2022-05-03.

Conditions:
GNE myopathy (NM). Also called: IBM 2; Inclusion body myopathy autosomal recessive; Inclusion body myopathy quadriceps sparing; MYOPATHY, DISTAL, WITH OR WITHOUT RIMMED VACUOLES; INCLUSION BODY MYOPATHY, HEREDITARY, AUTOSOMAL RECESSIVE; INCLUSION BODY MYOPATHY 2, AUTOSOMAL RECESSIVE. Identifiers: Orphanet 602, MedGen C1853926, MONDO:0011603, OMIM 605820.
Sialuria. Also called: Sialic Acid Storage Disease; SIALURIA, FRENCH TYPE. Identifiers: Orphanet 3166, MedGen C0342853, MONDO:0010028, OMIM 269921.

Submissions (2):

Labcorp Genetics (formerly Invitae), Labcorp
Classification: Uncertain significance for Sialuria; GNE myopathy. Last evaluated: 2022-05-03. Review status: criteria provided, single submitter. Criteria: Invitae Variant Classification Sherloc (09022015). Collection method: clinical testing. Allele origin: germline.
Comment: In summary, the available evidence is currently insufficient to determine the role of this variant in disease. Therefore, it has been classified as a Variant of Uncertain Significance. Algorithms developed to predict the effect of missense changes on protein structure and function are either unavailable or do not agree on the potential impact of this missense change (SIFT: "Deleterious"; PolyPhen-2: "Benign"; Align-GVGD: "Class C65"). This variant has not been reported in the literature in individuals affected with GNE-related conditions. This variant is not present in population databases (gnomAD no frequency). This sequence change replaces lysine, which is basic and polar, with threonine, which is neutral and polar, at codon 276 of the GNE protein (p.Lys276Thr).

Revvity Omics, Revvity
Classification: Uncertain significance. Last evaluated: 2020-06-04. Review status: criteria provided, single submitter. Criteria: ACMG Guidelines, 2015. Collection method: clinical testing. Allele origin: germline.

NM_005476.7(GNE):c.734A>C (p.Lys245Thr)

Gene: GNE (glucosamine (UDP-N-acetyl)-2-epimerase/N-acetylmannosamine kinase; minus strand). Cytogenetic location: 9p13.3.
Variant type: single nucleotide variant.
Coding change: c.734A>C on transcript NM_005476.7 (MANE Select); coding-DNA position 734, A replaced by C.
Protein change: p.Lys245Thr; replaces lysine 245 with threonine.
Molecular consequence: missense variant. On other transcripts: intron variant (2).
Genome position (GRCh38, 1-based): chr9:36,236,867, T>G on the plus strand (A>C on the coding strand, the complement: GNE is on the minus strand). VCF-style: chr9-36236867-T-G. GRCh37 (hg19) VCF-style: chr9-36236864-T-G.
Other names: c.827A>C (NM_001128227.2); c.827A>C, p.Lys276Thr (NM_001128227.3); c.734A>C, p.Lys245Thr (NM_001190383.3); c.557A>C, p.Lys186Thr (NM_001190388.2, NM_001374798.1); c.440-2735A>C (NM_001190384.3); c.617-2735A>C (NM_001374797.1); short protein forms K186T, K245T, K276T.
Identifiers: ClinVar variation 2132707 (VCV002132707.7), dbSNP rs2489733690, ClinGen allele CA373414859.
Genomic context (GRCh38, chr9:36,236,867, plus strand): 5'-TAATTTCATTTTCAAGTTCAATTACCTGCGTCAATATTTGGAAACAGGACTAGGGTCCGC[T>G]TGTTAAATGAGATAAGTGCATCCAATGTTAATTCAAACATTTTTATGGAATGCTTAATGT-3'
Protein context (NP_005467.1, residues 235-255): LTLDALISFN[Lys245Thr]RTLVLFPNID